The following is an entry in ClinVar:

NM_001105247.2(ARMC5):c.621C>T (p.Cys207=)

Gene: ARMC5 (armadillo repeat containing 5; plus strand). Cytogenetic location: 16p11.2.
Variant type: single nucleotide variant.
Coding change: c.621C>T on transcript NM_001105247.2 (MANE Select); coding-DNA position 621, C replaced by T.
Protein change: p.Cys207=; no amino-acid change (cysteine 207 retained).
Molecular consequence: synonymous variant.
Genome position (GRCh38, 1-based): chr16:31,462,168, C>T. VCF-style: chr16-31462168-C-T. GRCh37 (hg19) VCF-style: chr16-31473489-C-T.
Other names: c.906C>T, p.Cys302= (NM_001288767.2); c.717C>T, p.Cys239= (NM_001301820.1); c.621C>T, p.Cys207= (NM_024742.2).
Identifiers: ClinVar variation 3030836 (VCV003030836.2), dbSNP rs775557061, ClinGen allele CA8029525.

ClinVar aggregate classification (germline): Likely benign (0 of 4 stars; one submission).

Conditions:
ARMC5-related disorder. Also called: ARMC5-related condition.

Allele frequency attached by ClinVar (database versions not stated): gnomAD exomes below 0.00001; ExAC 0.00002; TOPMed 0.00002; gnomAD 0.00003.

Submission:

PreventionGenetics, part of Exact Sciences
Classification: Likely benign for ARMC5-related condition. Last evaluated: 2023-03-02. Review status: no assertion criteria provided. Collection method: clinical testing. Allele origin: germline.
Comment: This variant is classified as likely benign based on ACMG/AMP sequence variant interpretation guidelines (Richards et al. 2015 PMID: 25741868, with internal and published modifications).